The following is an entry in ClinVar:

NM_025132.4(WDR19):c.2421+1G>T

Gene: WDR19 (WD repeat domain 19; plus strand). Cytogenetic location: 4p14.
Variant type: single nucleotide variant.
Coding change: c.2421+1G>T on transcript NM_025132.4 (MANE Select); the canonical splice donor site of the intron after coding-DNA position 2421, G replaced by T.
Molecular consequence: splice donor variant.
Genome position (GRCh38, 1-based): chr4:39,240,335, G>T. VCF-style: chr4-39240335-G-T. GRCh37 (hg19) VCF-style: chr4-39241955-G-T.
Other names: c.1941+1G>T (NM_001317924.2).
Identifiers: ClinVar variation 3758822 (VCV003758822.2).

ClinVar aggregate classification (germline): Likely pathogenic (1 of 4 stars; one submission).

Conditions:
Asphyxiating thoracic dystrophy 5 (SRTD5). Also called: SHORT-RIB THORACIC DYSPLASIA 5 WITH OR WITHOUT POLYDACTYLY; SHORT-RIB THORACIC DYSPLASIA 5 WITHOUT POLYDACTYLY. Identifiers: Orphanet 474, MedGen C3280598, MONDO:0013717, OMIM 614376.
Senior-Loken syndrome 8 (SLSN8). Identifiers: Orphanet 3156, MedGen C4225376, MONDO:0014579, OMIM 616307.

Submission:

Labcorp Genetics (formerly Invitae), Labcorp
Classification: Likely pathogenic for Senior-Loken syndrome 8; Asphyxiating thoracic dystrophy 5. Last evaluated: 2024-09-14. Review status: criteria provided, single submitter. Criteria: Invitae Variant Classification Sherloc (09022015). Collection method: clinical testing. Allele origin: germline.
Comment: This sequence change affects a donor splice site in intron 21 of the WDR19 gene. It is expected to disrupt RNA splicing. Variants that disrupt the donor or acceptor splice site typically lead to a loss of protein function (PMID: 16199547), and loss-of-function variants in WDR19 are known to be pathogenic (PMID: 22019273, 23559409, 23683095, 26275793, 27241786, 29068549). This variant is not present in population databases (gnomAD no frequency). This variant has not been reported in the literature in individuals affected with WDR19-related conditions. Algorithms developed to predict the effect of sequence changes on RNA splicing suggest that this variant may disrupt the consensus splice site. In summary, the currently available evidence indicates that the variant is pathogenic, but additional data are needed to prove that conclusively. Therefore, this variant has been classified as Likely Pathogenic.

Literature cited by the submitters: PubMed 16199547; PubMed 22019273; PubMed 23559409; PubMed 23683095; PubMed 26275793; PubMed 27241786; PubMed 29068549.